The following is an entry in ClinVar:

NM_005228.5(EGFR):c.2428G>A (p.Gly810Ser)

Genes: EGFR (epidermal growth factor receptor; plus strand), EGFR-AS1 (EGFR antisense RNA 1; minus strand). Cytogenetic location: 7p11.2.
Variant type: single nucleotide variant.
Coding change: c.2428G>A on transcript NM_005228.5 (MANE Select); coding-DNA position 2428, G replaced by A.
Protein change: p.Gly810Ser; replaces glycine 810 with serine.
Molecular consequence: missense variant. On other transcripts: non-coding transcript variant (1).
Genome position (GRCh38, 1-based): chr7:55,181,437, G>A. VCF-style: chr7-55181437-G-A. GRCh37 (hg19) VCF-style: chr7-55249130-G-A.
Other names: c.2293G>A, p.Gly765Ser (NM_001346897.2, NM_001346899.2); c.2428G>A, p.Gly810Ser (NM_001346898.2); c.2269G>A, p.Gly757Ser (NM_001346900.2); c.1627G>A, p.Gly543Ser (NM_001346941.2); c.2428G>A (NM_005228.3); short protein forms G810S, G765S, G543S, G757S.
Identifiers: ClinVar variation 4639274 (VCV004639274.1), dbSNP rs121913230.

ClinVar aggregate classification (germline): Uncertain significance (1 of 4 stars; one submission).

Conditions:
Hereditary cancer-predisposing syndrome. Also called: Neoplastic Syndromes, Hereditary; Tumor predisposition; Hereditary Cancer Syndrome; Hereditary neoplastic syndrome. Identifiers: Orphanet 140162, MedGen C0027672, MeSH D009386, MONDO:0015356.

Submission:

Ambry Genetics
Classification: Uncertain significance for Hereditary cancer-predisposing syndrome. Last evaluated: 2025-11-12. Review status: criteria provided, single submitter. Criteria: Ambry Variant Classification Scheme 2023. Collection method: clinical testing. Allele origin: germline.
Comment: The p.G810S variant (also known as c.2428G>A), located in coding exon 20 of the EGFR gene, results from a G to A substitution at nucleotide position 2428. The glycine at codon 810 is replaced by serine, an amino acid with similar properties. This amino acid position is highly conserved in available vertebrate species. In addition, the in silico prediction for this alteration is inconclusive. Based on the available evidence, the clinical significance of this variant remains unclear.